The following is an entry in ClinVar:

NM_001267550.2(TTN):c.43213+5G>A

Gene: TTN (titin; minus strand). Cytogenetic location: 2q31.2.
Variant type: single nucleotide variant.
Coding change: c.43213+5G>A on transcript NM_001267550.2 (MANE Select); 5 bases into the intron after coding-DNA position 43213, G replaced by A.
Molecular consequence: intron variant.
Genome position (GRCh38, 1-based): chr2:178,632,913, C>T on the plus strand (G>A on the coding strand, the complement: TTN is on the minus strand). VCF-style: chr2-178632913-C-T. GRCh37 (hg19) VCF-style: chr2-179497640-C-T.
Other names: c.16018+5G>A (NM_003319.4); c.16594+5G>A (NM_133437.4); c.16393+5G>A (NM_133432.3); c.35509+5G>A (NM_133378.4); c.38290+5G>A (NM_001256850.1).
Identifiers: ClinVar variation 3812285 (VCV003812285.1).

ClinVar aggregate classification (germline): Uncertain significance (1 of 4 stars; one submission).

Conditions:
Cardiovascular phenotype. Identifiers: MedGen CN230736.

Submission:

Ambry Genetics
Classification: Uncertain significance for Cardiovascular phenotype. Last evaluated: 2025-02-28. Review status: criteria provided, single submitter. Criteria: Ambry Variant Classification Scheme 2023. Collection method: clinical testing. Allele origin: germline.
Comment: The c.16018+5G>A intronic variant results from a G to A substitution 5 nucleotides after coding exon 61 in the TTN gene. This nucleotide position is not well conserved in available vertebrate species. In silico splice site analysis predicts that this alteration will not have any significant effect on splicing. Based on the available evidence, the clinical significance of this variant remains unclear.